The following is an entry in ClinVar:

ClinVar aggregate classification (germline): Likely benign. Review status: criteria provided, multiple submitters, no conflicts (2 of 4 stars). 3 submissions from 3 submitters: Likely benign (3). Last evaluated 2026-01-25.

Allele frequency attached by ClinVar (database versions not stated): gnomAD exomes 0.00021; ExAC 0.00028; gnomAD 0.00066 and 0.00072; ESP Exome Variant Server 0.00069; TOPMed 0.00073; 1000 Genomes Project 30x 0.00078; 1000 Genomes Project 0.00080.
gnomAD v4.1: 219 of 1,611,590 alleles (0.014%); highest among the groups gnomAD compares: African/African-American, 0.22%; no homozygotes.

Submissions (3):

Labcorp Genetics (formerly Invitae), Labcorp
Classification: Likely benign. Last evaluated: 2026-01-25. Review status: criteria provided, single submitter. Criteria: Invitae Variant Classification Sherloc (09022015). Collection method: clinical testing. Allele origin: germline.

Blueprint Genetics
Classification: Likely benign. Last evaluated: 2024-10-08. Review status: criteria provided, single submitter. Criteria: ACMG Guidelines, 2015. Collection method: clinical testing. Allele origin: germline.

GeneDx
Classification: Likely benign. Last evaluated: 2017-04-07. Review status: criteria provided, single submitter. Criteria: GeneDx Variant Classification (06012015). Collection method: clinical testing. Allele origin: germline. Affected: yes.
Comment: This variant is considered likely benign or benign based on one or more of the following criteria: it is a conservative change, it occurs at a poorly conserved position in the protein, it is predicted to be benign by multiple in silico algorithms, and/or has population frequency not consistent with disease.

NM_004092.4(ECHS1):c.606C>T (p.Asp202=)

Gene: ECHS1 (enoyl-CoA hydratase, short chain 1; minus strand). Cytogenetic location: 10q26.3.
Variant type: single nucleotide variant.
Coding change: c.606C>T on transcript NM_004092.4 (MANE Select); coding-DNA position 606, C replaced by T.
Protein change: p.Asp202=; no amino-acid change (aspartic acid 202 retained).
Molecular consequence: synonymous variant.
Genome position (GRCh38, 1-based): chr10:133,366,902, G>A on the plus strand (C>T on the coding strand, the complement: ECHS1 is on the minus strand). VCF-style: chr10-133366902-G-A. GRCh37 (hg19) VCF-style: chr10-135180406-G-A.
Identifiers: ClinVar variation 508381 (VCV000508381.11), dbSNP rs2230262, ClinGen allele CA5765719.